The following is an entry in ClinVar:

NM_001377.3(DYNC2H1):c.4379-1G>C

Gene: DYNC2H1 (dynein cytoplasmic 2 heavy chain 1; plus strand). Cytogenetic location: 11q22.3.
Variant type: single nucleotide variant.
Coding change: c.4379-1G>C on transcript NM_001377.3 (MANE Select); the canonical splice acceptor site of the intron before coding-DNA position 4379, G replaced by C.
Molecular consequence: splice acceptor variant.
Genome position (GRCh38, 1-based): chr11:103,160,931, G>C. VCF-style: chr11-103160931-G-C. GRCh37 (hg19) VCF-style: chr11-103031660-G-C.
Other names: c.4379-1G>C (NM_001080463.2).
Identifiers: ClinVar variation 459278 (VCV000459278.7), dbSNP rs1555052497, ClinGen allele CA382238751.

ClinVar aggregate classification (germline): Likely pathogenic (1 of 4 stars; one submission).

Conditions:
Jeune thoracic dystrophy. Also called: Jeune syndrome; Infantile thoracic dystrophy; Thoracic pelvic phalangeal dystrophy; Jeune's syndrome; Chondroectodermal dysplasia-like syndrome; Short-rib thoracic dysplasia. Identifiers: Orphanet 474, MedGen C0265275, MONDO:0018770.

Submission:

Labcorp Genetics (formerly Invitae), Labcorp
Classification: Likely pathogenic for Jeune thoracic dystrophy. Last evaluated: 2017-07-16. Review status: criteria provided, single submitter. Criteria: Invitae Variant Classification Sherloc (09022015). Collection method: clinical testing. Allele origin: germline.
Comment: In summary, the currently available evidence indicates that the variant is pathogenic, but additional data are needed to prove that conclusively. Therefore, this variant has been classified as Likely Pathogenic. Donor and acceptor splice site variants typically lead to a loss of protein function (PMID: 16199547), and loss-of-function variants in DYNC2H1 are known to be pathogenic (PMID: 23339108). This variant has not been reported in the literature in individuals with DYNC2H1-related disease. This variant is not present in population databases (ExAC no frequency). This sequence change affects an acceptor splice site in intron 28 of the DYNC2H1 gene. It is expected to disrupt RNA splicing and likely results in an absent or disrupted protein product.

Literature cited by the submitters: PubMed 16199547; PubMed 23339108.